The following is an entry in ClinVar:

ClinVar aggregate classification (germline): Pathogenic (1 of 4 stars; one submission).

Conditions:
Familial intrahepatic cholestasis. Identifiers: Orphanet 284385, MedGen CN296401, MONDO:0017290.

Submission:

Genomenon, Inc
Classification: Pathogenic for Familial intrahepatic cholestasis. Last evaluated: 2026-04-14. Review status: criteria provided, single submitter. Criteria: Genomenon Sequence Variant Interpretation Standards - Updated. Collection method: curation. Allele origin: germline. Affected: yes.
Comment: ABCB4 c.1230+1G>T is a canonical splice variant affecting the donor splice site of intron 11. It is predicted to affect mRNA splicing, leading to a deleterious effect on the ABCB4 protein. This variant has been observed in at least one proband with an ABCB4-related disorder (PMID:34828443). It is absent or not present at a significant frequency in gnomAD. In conclusion, we classify ABCB4 c.1230+1G>T as a pathogenic variant.

Literature cited by the submitters: PubMed 34828443.

NM_000443.4(ABCB4):c.1230+1G>T

Gene: ABCB4 (ATP binding cassette subfamily B member 4; minus strand). Cytogenetic location: 7q21.12.
Variant type: single nucleotide variant.
Coding change: c.1230+1G>T on transcript NM_000443.4 (MANE Select); the canonical splice donor site of the intron after coding-DNA position 1230, G replaced by T.
Molecular consequence: splice donor variant.
Genome position (GRCh38, 1-based): chr7:87,443,662, C>A on the plus strand (G>T on the coding strand, the complement: ABCB4 is on the minus strand). VCF-style: chr7-87443662-C-A. GRCh37 (hg19) VCF-style: chr7-87072978-C-A.
Other names: c.1230+1G>T (NM_018850.3, NM_018849.3).
Identifiers: ClinVar variation 4846333 (VCV004846333.1).